The following is an entry in ClinVar:

ClinVar aggregate classification (germline): Likely benign (1 of 4 stars; one submission).

Allele frequency attached by ClinVar (database versions not stated): gnomAD 0.00401; gnomAD exomes 0.00713; 1000 Genomes Project 30x 0.00078; 1000 Genomes Project 0.00080; TOPMed 0.00368.
gnomAD v4.1: 8,244 of 1,232,068 alleles (0.67%); highest among the groups gnomAD compares: Non-Finnish European, 0.78%; 26 homozygotes.

Submission:

CeGaT Center for Human Genetics Tuebingen
Classification: Likely benign. Last evaluated: 2026-09-01. Review status: criteria provided, single submitter. Criteria: CeGaT Center For Human Genetics Tuebingen Variant Classification Criteria Version 2. Collection method: clinical testing. Allele origin: germline. Affected: yes. Observed: 7 variant alleles.
Comment: GIPC3: BS2

NM_133261.3(GIPC3):c.*1930C>T

Gene: GIPC3 (GIPC PDZ domain containing family member 3; plus strand). Cytogenetic location: 19p13.3.
Variant type: single nucleotide variant.
Coding change: c.*1930C>T on transcript NM_133261.3 (MANE Select); 1930 bases downstream of the stop codon, C replaced by T.
Molecular consequence: 3 prime UTR variant. On other transcripts: missense variant (1).
Genome position (GRCh38, 1-based): chr19:3,592,120, C>T. VCF-style: chr19-3592120-C-T. GRCh37 (hg19) VCF-style: chr19-3592118-C-T.
Other names: c.2882C>T, p.Ala961Val (NM_001411144.1); short protein forms A961V.
Identifiers: ClinVar variation 2648999 (VCV002648999.24), dbSNP rs530431888, ClinGen allele CA304418901.